The following is an entry in ClinVar:

ClinVar aggregate classification (germline): Pathogenic. Review status: criteria provided, multiple submitters, no conflicts (2 of 4 stars). 6 submissions from 5 submitters: Pathogenic (5). 1 of the submissions does not count toward it. Last evaluated 2026-05-05.

Conditions:
Inborn genetic diseases. Identifiers: MedGen C0950123, MeSH D030342.
Intellectual disability. Also called: Intellectual developmental disorder; Intellectual functioning disability; intellectual disabilities. Identifiers: MedGen C3714756, MeSH D008607, MONDO:0001071, HP:0001249.
Ververi-Brady syndrome 1. Identifiers: Orphanet 580940, MedGen C6065891, MONDO:0060707, OMIM 617982.
Ververi-Brady syndrome. Identifiers: MedGen C4693824, MONDO:0979877.

Submissions (6):

Institute of Medical Genetics and Applied Genomics, University Hospital Tübingen
Classification: Pathogenic for Ververi-Brady syndrome 1. Last evaluated: 2026-05-05. Review status: criteria provided, single submitter. Criteria: ACMG Guidelines, 2015. Collection method: clinical testing. Allele origin: de novo. Inheritance: Autosomal dominant inheritance. Affected: yes.

Ambry Genetics
Classification: Pathogenic for Inborn genetic diseases. Last evaluated: 2026-03-23. Review status: criteria provided, single submitter. Criteria: Ambry Variant Classification Scheme 2023. Collection method: clinical testing. Allele origin: germline.
Comment: The c.1954C>T (p.R652*) alteration, located in exon 9 (coding exon 7) of the QRICH1 gene, consists of a C to T substitution at nucleotide position 1954. This changes the amino acid from a arginine (R) to a stop codon at amino acid position 652. This variant is expected to result in loss of function by premature protein truncation or nonsense-mediated mRNA decay. The Genome Aggregation Database (gnomAD) data for this variant is unreliable due to technical and/or biological issues; therefore, population frequency estimates were not considered. This variant was reported in individual(s) with features consistent with QRICH1-related neurodevelopmental disorder; in at least one individual, it was determined to be de novo (Ververi, 2017; F&ouml;hrenbach, 2021; Kumble, 2022). Based on the available evidence, this alteration is classified as pathogenic.

Institute of Human Genetics, University of Leipzig Medical Center
Classification: Pathogenic for Ververi-Brady syndrome 1. Last evaluated: 2021-12-21. Review status: criteria provided, single submitter. Criteria: ACMG Guidelines, 2015. Collection method: research. Allele origin: germline. Affected: yes.

GeneDx
Classification: Pathogenic. Last evaluated: 2021-01-20. Review status: criteria provided, single submitter. Criteria: GeneDx Variant Classification Process June 2021. Collection method: clinical testing. Allele origin: germline. Affected: yes.
Comment: Nonsense variant predicted to result in protein truncation or nonsense mediated decay in a gene for which loss-of-function is a known mechanism of disease; This variant is associated with the following publications: (PMID: 28692176, 33009816, 28135719, 28191890, 31785789)

Institute of Human Genetics, University of Leipzig Medical Center
Classification: Pathogenic for Intellectual disability. Last evaluated: 2020-06-05. Review status: criteria provided, single submitter. Criteria: ACMG Guidelines, 2015. Collection method: research. Allele origin: de novo. Inheritance: Sporadic. Affected: yes. Observed: 1 heterozygote.
Comment: This variant has not been reported in the general population and but has been described as a disease causing previously (PMID: 28692176).

OMIM
Classification: Pathogenic for VERVERI-BRADY SYNDROME 1. Last evaluated: 2025-08-29. Review status: no assertion criteria provided. Collection method: literature only. Allele origin: germline. Not counted in ClinVar's aggregate classification.

Literature cited by the submitters: PubMed 28692176 (cited by Ambry Genetics and OMIM); PubMed 33009816 (cited by Ambry Genetics and OMIM); PubMed 34859529 (cited by Ambry Genetics and Institute of Human Genetics, University of Leipzig Medical Center).

NM_198880.3(QRICH1):c.1954C>T (p.Arg652Ter)

Genes: IMPDH2 (inosine monophosphate dehydrogenase 2; minus strand), QRICH1 (glutamine rich 1; minus strand). Cytogenetic location: 3p21.31.
Variant type: single nucleotide variant.
Coding change: c.1954C>T on transcript NM_198880.3 (MANE Select); coding-DNA position 1954, C replaced by T.
Protein change: p.Arg652Ter; replaces arginine 652 with a stop codon.
Molecular consequence: nonsense.
Genome position (GRCh38, 1-based): chr3:49,032,715, G>A on the plus strand (C>T on the coding strand, the complement: QRICH1 is on the minus strand). VCF-style: chr3-49032715-G-A. GRCh37 (hg19) VCF-style: chr3-49070148-G-A.
Other names: c.1954C>T, p.Arg652Ter (NM_001320580.2, NM_001320581.2, NM_001320582.2 and 4 more transcripts); short protein forms R652*.
Identifiers: ClinVar variation 523657 (VCV000523657.12), dbSNP rs1236702036, ClinGen allele CA352753227.